The following is an entry in ClinVar:

NM_182920.2(ADAMTS9):c.3503C>T (p.Pro1168Leu)

Gene: ADAMTS9 (ADAM metallopeptidase with thrombospondin type 1 motif 9; minus strand). Cytogenetic location: 3p14.1.
Variant type: single nucleotide variant.
Coding change: c.3503C>T on transcript NM_182920.2 (MANE Select); coding-DNA position 3503, C replaced by T.
Protein change: p.Pro1168Leu; replaces proline 1168 with leucine.
Molecular consequence: missense variant.
Genome position (GRCh38, 1-based): chr3:64,604,303, G>A on the plus strand (C>T on the coding strand, the complement: ADAMTS9 is on the minus strand). VCF-style: chr3-64604303-G-A. GRCh37 (hg19) VCF-style: chr3-64589979-G-A.
Other names: c.3419C>T, p.Pro1140Leu (NM_001318781.2); c.3503C>T (NM_182920.1); short protein forms P1168L, P1140L.
Identifiers: ClinVar variation 1478731 (VCV001478731.7), dbSNP rs202038398, ClinGen allele CA2480813.
Genomic context (GRCh38, chr3:64,604,303, plus strand): 5'-AATCGCCACTGGGTTCTTGGTGCACTGTATGTGCTTCTCCTCGTTTCCGGGGCAGCTGGG[G>A]GAGGATGACATGATGGTAATTCACAGTCCTAGACGTGATGGGGGAAAAAAAAACAAAGTC-3'
Protein context (NP_891550.1, residues 1158-1178): QDCELPSCHP[Pro1168Leu]PAAPETRRST

ClinVar aggregate classification (germline): Uncertain significance. Review status: criteria provided, multiple submitters, no conflicts (2 of 4 stars). 2 submissions from 2 submitters: Uncertain significance (2). Last evaluated 2025-07-10.

Allele frequency attached by ClinVar (database versions not stated): ExAC 0.00001; gnomAD 0.00001; gnomAD exomes 0.00001 and 0.00002; TOPMed 0.00001; 1000 Genomes Project 0.00020; 1000 Genomes Project 30x 0.00031.
gnomAD v4.1: 6 of 1,612,746 alleles (0.00037%); highest among the groups gnomAD compares: Admixed American, 0.0067%; no homozygotes.

Submissions (2):

Labcorp Genetics (formerly Invitae), Labcorp
Classification: Uncertain significance. Last evaluated: 2025-07-10. Review status: criteria provided, single submitter. Criteria: Invitae Variant Classification Sherloc (09022015). Collection method: clinical testing. Allele origin: germline.
Comment: This sequence change replaces proline, which is neutral and non-polar, with leucine, which is neutral and non-polar, at codon 1168 of the ADAMTS9 protein (p.Pro1168Leu). This variant is present in population databases (rs202038398, gnomAD 0.01%). This variant has not been reported in the literature in individuals affected with ADAMTS9-related conditions. ClinVar contains an entry for this variant (Variation ID: 1478731). An algorithm developed to predict the effect of missense changes on protein structure and function outputs the following: PolyPhen-2: "Benign". The leucine amino acid residue is found in multiple mammalian species, which suggests that this missense change does not adversely affect protein function. In summary, the available evidence is currently insufficient to determine the role of this variant in disease. Therefore, it has been classified as a Variant of Uncertain Significance.

Ambry Genetics
Classification: Uncertain significance. Last evaluated: 2021-08-13. Review status: criteria provided, single submitter. Criteria: Ambry Variant Classification Scheme 2023. Collection method: clinical testing. Allele origin: germline.